The following is an entry in ClinVar:

ClinVar aggregate classification (germline): Benign/Likely benign. Review status: criteria provided, multiple submitters, no conflicts (2 of 4 stars). 3 submissions from 3 submitters: Benign (1); Likely benign (2). Last evaluated 2026-06-16.

Conditions:
Polyps, multiple and recurrent inflammatory fibroid, gastrointestinal. Identifiers: MedGen C5193005, MONDO:0008285, OMIM 175510.
Gastrointestinal stromal tumor. Also called: Gastrointestinal stroma tumor; Gastrointestinal stromal tumor, somatic. Identifiers: Orphanet 44890, MedGen C0238198, MeSH D046152, MONDO:0011719, OMIM 606764, HP:0100723.
Hereditary cancer-predisposing syndrome. Also called: Tumor predisposition; Hereditary neoplastic syndrome; Neoplastic Syndromes, Hereditary; Hereditary Cancer Syndrome. Identifiers: Orphanet 140162, MedGen C0027672, MeSH D009386, MONDO:0015356.

Allele frequency attached by ClinVar (database versions not stated): gnomAD exomes below 0.00001; TOPMed below 0.00001.
gnomAD v4.1: 2 of 1,614,146 alleles (0.00012%); highest among the groups gnomAD compares: South Asian, 0.0011%; no homozygotes.

Submissions (3):

Myriad Genetics, Inc.
Classification: Benign for Polyps, multiple and recurrent inflammatory fibroid, gastrointestinal. Last evaluated: 2026-06-16. Review status: criteria provided, single submitter. Criteria: Myriad Autosomal Dominant, Autosomal Recessive and X-Linked Classification Criteria (2023). Collection method: clinical testing. Allele origin: unknown.
Comment: This variant is considered benign. This variant is a silent/synonymous amino acid change and it is not expected to impact splicing.

Labcorp Genetics (formerly Invitae), Labcorp
Classification: Likely benign for Gastrointestinal stromal tumor. Last evaluated: 2026-01-13. Review status: criteria provided, single submitter. Criteria: Invitae Variant Classification Sherloc (09022015). Collection method: clinical testing. Allele origin: germline.

Ambry Genetics
Classification: Likely benign for Hereditary cancer-predisposing syndrome. Last evaluated: 2022-04-02. Review status: criteria provided, single submitter. Criteria: Ambry Variant Classification Scheme 2023. Collection method: clinical testing. Allele origin: germline.

NM_006206.6(PDGFRA):c.777A>G (p.Thr259=)

Gene: PDGFRA (platelet derived growth factor receptor alpha; plus strand). Cytogenetic location: 4q12.
Variant type: single nucleotide variant.
Coding change: c.777A>G on transcript NM_006206.6 (MANE Select); coding-DNA position 777, A replaced by G.
Protein change: p.Thr259=; no amino-acid change (threonine 259 retained).
Molecular consequence: synonymous variant.
Genome position (GRCh38, 1-based): chr4:54,267,306, A>G. VCF-style: chr4-54267306-A-G. GRCh37 (hg19) VCF-style: chr4-55133473-A-G.
Other names: c.777A>G, p.Thr259= (NM_001347827.2, NM_001347829.2); c.852A>G, p.Thr284= (NM_001347828.2); c.816A>G, p.Thr272= (NM_001347830.2).
Identifiers: ClinVar variation 459122 (VCV000459122.14), dbSNP rs899825708, ClinGen allele CA96851861.
Genomic context (GRCh38, chr4:54,267,306, plus strand): 5'-AGCGAGCTTTTTAAAAGTCGGTTTTCTTCCCCTTTTGCTGTAGAAAGGCAAAGGCATCAC[A>G]ATGCTGGAAGAAATCAAAGTCCCATCCATCAAATTGGTGTACACTTTGACGGTCCCCGAG-3'
Protein context (NP_006197.1, residues 249-269): YPGEVKGKGI[Thr259=]MLEEIKVPSI